The following is an entry in ClinVar:

ClinVar aggregate classification (germline): Likely pathogenic (1 of 4 stars; one submission).

Conditions:
Hereditary spastic paraplegia 3A (SPG3A). Also called: SPASTIC PARAPLEGIA 3, AUTOSOMAL DOMINANT; FAMILIAL SPASTIC PARAPLEGIA, AUTOSOMAL DOMINANT, 1; SPG3; STRUMPELL DISEASE; Spastic Paraplegia 3A; Spastic paraplegia 3A, autosomal dominant. Identifiers: Orphanet 100984, MedGen C2931355, MONDO:0008437, OMIM 182600.

Submission:

Labcorp Genetics (formerly Invitae), Labcorp
Classification: Likely pathogenic for Spastic paraplegia 3. Last evaluated: 2018-09-10. Review status: criteria provided, single submitter. Criteria: Invitae Variant Classification Sherloc (09022015). Collection method: clinical testing. Allele origin: germline.
Comment: This sequence change replaces asparagine with lysine at codon 356 of the ATL1 protein (p.Asn356Lys). The asparagine residue is highly conserved and there is a moderate physicochemical difference between asparagine and lysine. This variant is not present in population databases (ExAC no frequency). This variant has been observed to be de novo in an individual affected with spastic paraparesis (Invitae). Algorithms developed to predict the effect of missense changes on protein structure and function are either unavailable or do not agree on the potential impact of this missense change (SIFT: "Deleterious"; PolyPhen-2: "Probably Damaging"; Align-GVGD: "Class C0"). In summary, the currently available evidence indicates that the variant is pathogenic, but additional data are needed to prove that conclusively. Therefore, this variant has been classified as Likely Pathogenic.

NM_015915.5(ATL1):c.1068T>A (p.Asn356Lys)

Gene: ATL1 (atlastin GTPase 1; plus strand). Cytogenetic location: 14q22.1.
Variant type: single nucleotide variant.
Coding change: c.1068T>A on transcript NM_015915.5 (MANE Select); coding-DNA position 1068, T replaced by A.
Protein change: p.Asn356Lys; replaces asparagine 356 with lysine.
Molecular consequence: missense variant.
Genome position (GRCh38, 1-based): chr14:50,623,197, T>A. VCF-style: chr14-50623197-T-A. GRCh37 (hg19) VCF-style: chr14-51089915-T-A.
Other names: c.1068T>A, p.Asn356Lys (NM_001127713.1, NM_181598.4); short protein forms N356K.
Identifiers: ClinVar variation 640724 (VCV000640724.1), dbSNP rs1595621335, ClinGen allele CA389674145.